The following is an entry in ClinVar:

NM_152419.3(HGSNAT):c.64C>G (p.Leu22Val)

Genes: HGSNAT (heparan-alpha-glucosaminide N-acetyltransferase; plus strand), LOC130000316 (ATAC-STARR-seq lymphoblastoid silent region 19164; plus strand). Cytogenetic location: 8p11.21.
Variant type: single nucleotide variant.
Coding change: c.64C>G on transcript NM_152419.3 (MANE Select); coding-DNA position 64, C replaced by G.
Protein change: p.Leu22Val; replaces leucine 22 with valine.
Molecular consequence: missense variant. On other transcripts: 5 prime UTR variant (1).
Genome position (GRCh38, 1-based): chr8:43,140,560, C>G. VCF-style: chr8-43140560-C-G. GRCh37 (hg19) VCF-style: chr8-42995703-C-G.
Other names: c.64C>G, p.Leu22Val (NM_001363227.2, NM_001363228.2); c.-770C>G (NM_001363229.2); short protein forms L22V.
Identifiers: ClinVar variation 2172693 (VCV002172693.4), dbSNP rs1164054537, ClinGen allele CA371124607.

ClinVar aggregate classification (germline): Uncertain significance (1 of 4 stars; one submission).

Conditions:
Mucopolysaccharidosis, MPS-III-C (MPS3C). Also called: SANFILIPPO SYNDROME C; MPS III C; mucopolysaccharidosis type 3C; MUCOPOLYSACCHARIDOSIS, TYPE IIIC; MPS IIIC (Sanfilippo Syndrome Type C); Mucopolysaccharidosis type IIIC (Sanfilippo C). Identifiers: Orphanet 581, Orphanet 79271, MedGen C0086649, MONDO:0009657, OMIM 252930.
Retinitis pigmentosa 73 (RP73). Identifiers: Orphanet 791, MedGen C4225287, MONDO:0014687, OMIM 616544.

Submission:

Labcorp Genetics (formerly Invitae), Labcorp
Classification: Uncertain significance for Retinitis pigmentosa 73; Mucopolysaccharidosis, MPS-III-C. Last evaluated: 2022-09-22. Review status: criteria provided, single submitter. Criteria: Invitae Variant Classification Sherloc (09022015). Collection method: clinical testing. Allele origin: germline.
Comment: In summary, the available evidence is currently insufficient to determine the role of this variant in disease. Therefore, it has been classified as a Variant of Uncertain Significance. Advanced modeling of protein sequence and biophysical properties (such as structural, functional, and spatial information, amino acid conservation, physicochemical variation, residue mobility, and thermodynamic stability) has been performed at Invitae for this missense variant, however the output from this modeling did not meet the statistical confidence thresholds required to predict the impact of this variant on HGSNAT protein function. This variant has not been reported in the literature in individuals affected with HGSNAT-related conditions. This variant is not present in population databases (gnomAD no frequency). This sequence change replaces leucine, which is neutral and non-polar, with valine, which is neutral and non-polar, at codon 22 of the HGSNAT protein (p.Leu22Val).